The following is an entry in ClinVar:

NM_032608.7(MYO18B):c.653C>A (p.Thr218Asn)

Gene: MYO18B (myosin XVIIIB; plus strand). Cytogenetic location: 22q12.1.
Variant type: single nucleotide variant.
Coding change: c.653C>A on transcript NM_032608.7 (MANE Select); coding-DNA position 653, C replaced by A.
Protein change: p.Thr218Asn; replaces threonine 218 with asparagine.
Molecular consequence: missense variant.
Genome position (GRCh38, 1-based): chr22:25,768,569, C>A. VCF-style: chr22-25768569-C-A. GRCh37 (hg19) VCF-style: chr22-26164536-C-A.
Other names: c.653C>A, p.Thr218Asn (NM_001318245.2); short protein forms T218N.
Identifiers: ClinVar variation 1416754 (VCV001416754.6), dbSNP rs964408942, ClinGen allele CA322779111.

ClinVar aggregate classification (germline): Uncertain significance (1 of 4 stars; one submission).

Allele frequency attached by ClinVar (database versions not stated): gnomAD exomes below 0.00001; gnomAD 0.00002; TOPMed 0.00003.
gnomAD v4.1: 7 of 1,535,470 alleles (0.00046%); highest among the groups gnomAD compares: African/African-American, 0.0083%; no homozygotes.

Submission:

Labcorp Genetics (formerly Invitae), Labcorp
Classification: Uncertain significance. Last evaluated: 2021-09-09. Review status: criteria provided, single submitter. Criteria: Invitae Variant Classification Sherloc (09022015). Collection method: clinical testing. Allele origin: germline.
Comment: This sequence change replaces threonine with asparagine at codon 218 of the MYO18B protein (p.Thr218Asn). The threonine residue is weekly conserved and there is a small physicochemical difference between threonine and asparagine. This variant is not present in population databases (ExAC no frequency). This variant has not been reported in the literature in individuals affected with MYO18B-related conditions. Algorithms developed to predict the effect of missense changes on protein structure and function are either unavailable or do not agree on the potential impact of this missense change (SIFT: "Not Available"; PolyPhen-2: "Possibly Damaging"; Align-GVGD: "Not Available"). In summary, the available evidence is currently insufficient to determine the role of this variant in disease. Therefore, it has been classified as a Variant of Uncertain Significance.